The following is an entry in ClinVar:

ClinVar aggregate classification (germline): Uncertain significance (1 of 4 stars; one submission).

Conditions:
CHARGE syndrome (CHARGE). Also called: Hittner Hirsch Kreh syndrome; CHARGE ASSOCIATION--COLOBOMA, HEART ANOMALY, CHOANAL ATRESIA, RETARDATION, GENITAL AND EAR ANOMALIES; Coloboma, heart anomaly, choanal atresia, retardation, genital and ear anomalies; CHARGE association; Hall-Hittner syndrome. Identifiers: Orphanet 138, MedGen C0265354, MONDO:0008965.

Allele frequency attached by ClinVar (database versions not stated): gnomAD exomes 0.00001.
gnomAD v4.1: 9 of 1,611,480 alleles (0.00056%); highest among the groups gnomAD compares: Non-Finnish European, 0.00076%; no homozygotes.

Submission:

Labcorp Genetics (formerly Invitae), Labcorp
Classification: Uncertain significance for CHARGE syndrome. Last evaluated: 2021-05-29. Review status: criteria provided, single submitter. Criteria: Invitae Variant Classification Sherloc (09022015). Collection method: clinical testing. Allele origin: germline.
Comment: This variant is not present in population databases (ExAC no frequency). In summary, the available evidence is currently insufficient to determine the role of this variant in disease. Therefore, it has been classified as a Variant of Uncertain Significance. This variant has not been reported in the literature in individuals with CHD7-related conditions. Advanced modeling of protein sequence and biophysical properties (such as structural, functional, and spatial information, amino acid conservation, physicochemical variation, residue mobility, and thermodynamic stability) performed at Invitae indicates that this missense variant is not expected to disrupt CHD7 protein function. This sequence change replaces aspartic acid with valine at codon 584 of the CHD7 protein (p.Asp584Val). The aspartic acid residue is highly conserved and there is a large physicochemical difference between aspartic acid and valine.

NM_017780.4(CHD7):c.1751A>T (p.Asp584Val)

Genes: CHD7 (chromodomain helicase DNA binding protein 7; plus strand), LOC126860403 (CDK7 strongly-dependent group 2 enhancer GRCh37_chr8:61693034-61694233; plus strand). Cytogenetic location: 8q12.2.
Variant type: single nucleotide variant.
Coding change: c.1751A>T on transcript NM_017780.4 (MANE Select); coding-DNA position 1751, A replaced by T.
Protein change: p.Asp584Val; replaces aspartic acid 584 with valine.
Molecular consequence: missense variant. On other transcripts: intron variant (1).
Genome position (GRCh38, 1-based): chr8:60,781,085, A>T. VCF-style: chr8-60781085-A-T. GRCh37 (hg19) VCF-style: chr8-61693644-A-T.
Other names: c.1716+35A>T (NM_001316690.1); short protein forms D584V.
Identifiers: ClinVar variation 1357276 (VCV001357276.8), dbSNP rs1811198841, ClinGen allele CA371311733.
Genomic context (GRCh38, chr8:60,781,085, plus strand): 5'-AGAAACCAGTGCCGGATATGACTCAGGTTAGTGGACCGAATGCTCAGCTAGTGAAGAGTG[A>T]TGATTACCTGCCATCAATAGAACAGCAGCCACAACAAAAGAAGAAGAAAAAGAAAAACAA-3'
Protein context (NP_060250.2, residues 574-594): SGPNAQLVKS[Asp584Val]DYLPSIEQQP